The following is an entry in ClinVar:

ClinVar aggregate classification (germline): Uncertain significance (1 of 4 stars; one submission).

gnomAD v4.1: 2 of 1,612,754 alleles (0.00012%); highest among the groups gnomAD compares: African/African-American, 0.0013%; no homozygotes.

Submission:

Labcorp Genetics (formerly Invitae), Labcorp
Classification: Uncertain significance. Last evaluated: 2024-05-15. Review status: criteria provided, single submitter. Criteria: Invitae Variant Classification Sherloc (09022015). Collection method: clinical testing. Allele origin: germline.
Comment: This sequence change falls in intron 42 of the ABCA4 gene. It does not directly change the encoded amino acid sequence of the ABCA4 protein. It affects a nucleotide within the consensus splice site. This variant is not present in population databases (gnomAD no frequency). This variant has been observed in individual(s) with ABCA4-related conditions (PMID: 30060493). Variants that disrupt the consensus splice site are a relatively common cause of aberrant splicing (PMID: 17576681, 9536098). Algorithms developed to predict the effect of sequence changes on RNA splicing suggest that this variant is not likely to affect RNA splicing. In summary, the available evidence is currently insufficient to determine the role of this variant in disease. Therefore, it has been classified as a Variant of Uncertain Significance.

Literature cited by the submitters: PubMed 30060493; PubMed 17576681; PubMed 9536098.

NM_000350.3(ABCA4):c.5899-3T>C

Gene: ABCA4 (ATP binding cassette subfamily A member 4; minus strand). Cytogenetic location: 1p22.1.
Variant type: single nucleotide variant.
Coding change: c.5899-3T>C on transcript NM_000350.3 (MANE Select); 3 bases into the intron before coding-DNA position 5899, T replaced by C.
Molecular consequence: intron variant.
Genome position (GRCh38, 1-based): chr1:94,007,743, A>G on the plus strand (T>C on the coding strand, the complement: ABCA4 is on the minus strand). VCF-style: chr1-94007743-A-G. GRCh37 (hg19) VCF-style: chr1-94473299-A-G.
Other names: c.5677-3T>C (NM_001425324.1).
Identifiers: ClinVar variation 3704353 (VCV003704353.2).